The following is an entry in ClinVar:

NM_016529.6(ATP8A2):c.1527G>C (p.Thr509=)

Gene: ATP8A2 (ATPase phospholipid transporting 8A2). Cytogenetic location: 13q12.13.
Variant type: single nucleotide variant.
Coding change: c.1527G>C on transcript NM_016529.6 (MANE Select); coding-DNA position 1527, G replaced by C.
Protein change: p.Thr509=; no amino-acid change (threonine 509 retained).
Molecular consequence: synonymous variant.
Genome position (GRCh38, 1-based): chr13:25,570,820, G>C. VCF-style: chr13-25570820-G-C. GRCh37 (hg19) VCF-style: chr13-26144958-G-C.
Other names: c.1407G>C, p.Thr469= (NM_001313741.1); c.1527G>C, p.Thr509= (NM_001411005.1, NM_001411006.1).
Identifiers: ClinVar variation 5039653 (VCV005039653.1).

ClinVar aggregate classification (germline): Likely benign (1 of 4 stars; one submission).

gnomAD v4.1: 6 of 1,613,730 alleles (0.00037%); highest among the groups gnomAD compares: African/African-American, 0.0013%; no homozygotes.

Submission:

CeGaT Center for Human Genetics Tuebingen
Classification: Likely benign. Last evaluated: 2026-07-01. Review status: criteria provided, single submitter. Criteria: CeGaT Center For Human Genetics Tuebingen Variant Classification Criteria Version 2. Collection method: clinical testing. Allele origin: germline. Affected: yes. Observed: 1 variant allele.
Comment: ATP8A2: BP4, BP7